The following is an entry in ClinVar:

NM_001378452.1(ITPR1):c.5616G>A (p.Met1872Ile)

Gene: ITPR1 (inositol 1,4,5-trisphosphate receptor type 1; plus strand). Cytogenetic location: 3p26.1.
Variant type: single nucleotide variant.
Coding change: c.5616G>A on transcript NM_001378452.1 (MANE Select); coding-DNA position 5616, G replaced by A.
Protein change: p.Met1872Ile; replaces methionine 1872 with isoleucine.
Molecular consequence: missense variant.
Genome position (GRCh38, 1-based): chr3:4,766,601, G>A. VCF-style: chr3-4766601-G-A. GRCh37 (hg19) VCF-style: chr3-4808285-G-A.
Other names: c.5472G>A, p.Met1824Ile (NM_001099952.4); c.5571G>A, p.Met1857Ile (NM_001168272.2); c.5427G>A, p.Met1809Ile (NM_002222.7); short protein forms M1809I, M1824I, M1857I, M1872I.
Identifiers: ClinVar variation 975252 (VCV000975252.3), dbSNP rs1002376493, ClinGen allele CA68816344.

ClinVar aggregate classification (germline): Uncertain significance. Review status: criteria provided, single submitter (1 of 4 stars). 2 submissions from 2 submitters: Uncertain significance (1). 1 of the submissions does not count toward it. Last evaluated 2025-01-21.

Conditions:
Spinocerebellar ataxia type 29 (SCA29). Also called: CEREBELLAR ATAXIA, CONGENITAL NONPROGRESSIVE, AUTOSOMAL DOMINANT; Spinocerebellar ataxia 29, congenital nonprogressive. Identifiers: Orphanet 208513, MedGen C1861732, MONDO:0007298, OMIM 117360.

Allele frequency attached by ClinVar (database versions not stated): gnomAD exomes below 0.00001.

Submissions (2):

Labcorp Genetics (formerly Invitae), Labcorp
Classification: Uncertain significance. Last evaluated: 2025-01-21. Review status: criteria provided, single submitter. Criteria: Invitae Variant Classification Sherloc (09022015). Collection method: clinical testing. Allele origin: germline.
Comment: This sequence change replaces methionine, which is neutral and non-polar, with isoleucine, which is neutral and non-polar, at codon 1809 of the ITPR1 protein (p.Met1809Ile). This variant is not present in population databases (gnomAD no frequency). This variant has not been reported in the literature in individuals affected with ITPR1-related conditions. ClinVar contains an entry for this variant (Variation ID: 975252). Invitae Evidence Modeling of protein sequence and biophysical properties (such as structural, functional, and spatial information, amino acid conservation, physicochemical variation, residue mobility, and thermodynamic stability) indicates that this missense variant is not expected to disrupt ITPR1 protein function with a negative predictive value of 95%. In summary, the available evidence is currently insufficient to determine the role of this variant in disease. Therefore, it has been classified as a Variant of Uncertain Significance.

Centre de Biologie Pathologie Génétique, Centre Hospitalier Universitaire de Lille
Classification: Likely pathogenic for Spinocerebellar ataxia type 29. Last evaluated: 2019-01-01. Review status: no assertion criteria provided. Collection method: clinical testing. Allele origin: unknown. Affected: yes. Not counted in ClinVar's aggregate classification.